The following is an entry in ClinVar:

NM_006767.4(LZTR1):c.1070G>C (p.Gly357Ala)

Gene: LZTR1 (leucine zipper like post translational regulator 1; plus strand). Cytogenetic location: 22q11.21.
Variant type: single nucleotide variant.
Coding change: c.1070G>C on transcript NM_006767.4 (MANE Select); coding-DNA position 1070, G replaced by C.
Protein change: p.Gly357Ala; replaces glycine 357 with alanine.
Molecular consequence: missense variant.
Genome position (GRCh38, 1-based): chr22:20,992,290, G>C. VCF-style: chr22-20992290-G-C. GRCh37 (hg19) VCF-style: chr22-21346579-G-C.
Other names: short protein forms G357A.
Identifiers: ClinVar variation 4859437 (VCV004859437.1).

ClinVar aggregate classification (germline): Uncertain significance (1 of 4 stars; one submission).

Conditions:
Cardiovascular phenotype. Identifiers: MedGen CN230736.
Hereditary cancer-predisposing syndrome. Also called: Neoplastic Syndromes, Hereditary; Tumor predisposition; Hereditary Cancer Syndrome; Hereditary neoplastic syndrome. Identifiers: Orphanet 140162, MedGen C0027672, MeSH D009386, MONDO:0015356.

Submission:

Ambry Genetics
Classification: Uncertain significance for Cardiovascular phenotype; Hereditary cancer-predisposing syndrome. Last evaluated: 2026-06-10. Review status: criteria provided, single submitter. Criteria: Ambry Variant Classification Scheme 2023. Collection method: clinical testing. Allele origin: germline.
Comment: The p.G357A variant (also known as c.1070G>C), located in coding exon 10 of the LZTR1 gene, results from a G to C substitution at nucleotide position 1070. The glycine at codon 357 is replaced by alanine, an amino acid with similar properties. This amino acid position is conserved. In addition, this alteration is predicted to be tolerated by in silico analysis. Based on the available evidence, the clinical significance of this variant remains unclear.